The following is an entry in ClinVar:

NM_000038.6(APC):c.1178C>A (p.Ser393Ter)

Gene: APC (APC regulator of Wnt signaling pathway; plus strand). Cytogenetic location: 5q22.2.
Variant type: single nucleotide variant.
Coding change: c.1178C>A on transcript NM_000038.6 (MANE Select); coding-DNA position 1178, C replaced by A.
Protein change: p.Ser393Ter; replaces serine 393 with a stop codon.
Molecular consequence: nonsense. On other transcripts: non-coding transcript variant (2), intron variant (15).
Genome position (GRCh38, 1-based): chr5:112,819,210, C>A. VCF-style: chr5-112819210-C-A. GRCh37 (hg19) VCF-style: chr5-112154907-C-A.
Other names: c.1094C>A, p.Ser365Ter (NM_001354899.2, NM_001407452.1); c.1001C>A, p.Ser334Ter (NM_001354900.2, NM_001354901.2, NM_001407453.1); c.329C>A, p.Ser110Ter (NM_001354906.2, NM_001407470.1); c.1208C>A, p.Ser403Ter (NM_001407446.1, NM_001354897.2); c.1178C>A, p.Ser393Ter (NM_001407447.1, NM_001127510.3, NM_001354895.2 and 4 more transcripts); c.1124C>A, p.Ser375Ter (NM_001127511.3); c.1103C>A, p.Ser368Ter (NM_001354898.2, NM_001407451.1); c.85-59C>A (NM_001407472.1, NM_001407471.1); and 5 more; short protein forms S110*, S334*, S365*, S368*, S375*, S393*, S403*.
Identifiers: ClinVar variation 2584104 (VCV002584104.2), dbSNP rs1114167545, ClinGen allele CA16023885.

ClinVar aggregate classification (germline): Pathogenic (1 of 4 stars; one submission).

Conditions:
Familial adenomatous polyposis 1 (FAP1). Also called: FAMILIAL ADENOMATOUS POLYPOSIS 1, ATTENUATED; POLYPOSIS, ADENOMATOUS INTESTINAL. Identifiers: MedGen C2713442, MONDO:0021056, OMIM 175100. Disease mechanism: loss of function.

Submission:

Myriad Genetics, Inc.
Classification: Pathogenic for Familial adenomatous polyposis 1. Last evaluated: 2023-04-28. Review status: criteria provided, single submitter. Criteria: Myriad Autosomal Dominant, Autosomal Recessive and X-Linked Classification Criteria (2023). Collection method: clinical testing. Allele origin: unknown.
Comment: This variant is considered pathogenic. This variant creates a termination codon and is predicted to result in premature protein truncation.